The following is an entry in ClinVar:

NM_033225.6(CSMD1):c.3828A>T (p.Glu1276Asp)

Gene: CSMD1 (CUB and Sushi multiple domains 1; minus strand). Cytogenetic location: 8p23.2.
Variant type: single nucleotide variant.
Coding change: c.3828A>T on transcript NM_033225.6 (MANE Select); coding-DNA position 3828, A replaced by T.
Protein change: p.Glu1276Asp; replaces glutamic acid 1276 with aspartic acid.
Molecular consequence: missense variant.
Genome position (GRCh38, 1-based): chr8:3,307,817, T>A on the plus strand (A>T on the coding strand, the complement: CSMD1 is on the minus strand). VCF-style: chr8-3307817-T-A. GRCh37 (hg19) VCF-style: chr8-3165339-T-A.
Other names: short protein forms E1276D.
Identifiers: ClinVar variation 4007434 (VCV004007434.3).

ClinVar aggregate classification (germline): Uncertain significance. Review status: criteria provided, multiple submitters, no conflicts (2 of 4 stars). 2 submissions from 2 submitters: Uncertain significance (2). Last evaluated 2025-04-24.

gnomAD v4.1: 12 of 1,612,270 alleles (0.00074%); highest among the groups gnomAD compares: South Asian, 0.0011%; no homozygotes.

Submissions (2):

Ambry Genetics
Classification: Uncertain significance. Last evaluated: 2025-04-24. Review status: criteria provided, single submitter. Criteria: Ambry Variant Classification Scheme 2023. Collection method: clinical testing. Allele origin: germline.

Dasa
Classification: Uncertain significance. Last evaluated: 2024-12-10. Review status: criteria provided, single submitter. Criteria: DASA Assertion Criteria. Collection method: clinical testing. Allele origin: germline.
Comment: NM_033225.6(CSMD1):c.3828A>T (p.Glu1276Asp) is a missense variant that results in the substitution of glutamic acid with aspartic acid. This variant is rare in population databases. Computational prediction algorithms are consistent with a benign effect. The currently available literature and clinical evidence are not sufficient to establish a definitive association between this variant and the reported condition. Therefore, this variant is classified as a variant of uncertain significance.